The following is an entry in ClinVar:

ClinVar aggregate classification (germline): Uncertain significance (1 of 4 stars; one submission).

Conditions:
BAP1-related tumor predisposition syndrome (TPDS1). Also called: BAP1 tumor predisposition syndrome; COMMON Syndrome; TUMOR PREDISPOSITION SYNDROME 1; Tumor susceptibility linked to germline BAP1 mutations. Identifiers: Orphanet 289539, MedGen C3280492, MONDO:0013692, OMIM 614327.

Submission:

Labcorp Genetics (formerly Invitae), Labcorp
Classification: Uncertain significance for BAP1-related tumor predisposition syndrome. Last evaluated: 2024-08-03. Review status: criteria provided, single submitter. Criteria: Invitae Variant Classification Sherloc (09022015). Collection method: clinical testing. Allele origin: germline.
Comment: This sequence change replaces glutamic acid, which is acidic and polar, with valine, which is neutral and non-polar, at codon 602 of the BAP1 protein (p.Glu602Val). Information on the frequency of this variant in the gnomAD database is not available, as this variant may be reported differently in the database. This variant has not been reported in the literature in individuals affected with BAP1-related conditions. An algorithm developed to predict the effect of missense changes on protein structure and function (PolyPhen-2) suggests that this variant is likely to be tolerated. In summary, the available evidence is currently insufficient to determine the role of this variant in disease. Therefore, it has been classified as a Variant of Uncertain Significance.

NM_004656.4(BAP1):c.1805_1806delinsTC (p.Glu602Val)

Gene: BAP1 (BRCA1 associated deubiquitinase 1; minus strand). Cytogenetic location: 3p21.1.
Variant type: Indel.
Coding change: c.1805_1806delinsTC on transcript NM_004656.4 (MANE Select); coding-DNA positions 1805 to 1806, AG replaced by TC.
Protein change: p.Glu602Val; replaces glutamic acid 602 with valine.
Molecular consequence: missense variant.
Genome position (GRCh38, 1-based): chr3:52,403,222-52,403,223, CT replaced by GA on the plus strand (AG replaced by TC on the coding strand, the reverse complement: BAP1 is on the minus strand). VCF-style: chr3-52403222-CT-GA. GRCh37 (hg19) VCF-style: chr3-52437238-CT-GA.
Other names: c.1751_1752delinsTC, p.Glu584Val (NM_001410772.1); short protein forms E602V, E584V.
Identifiers: ClinVar variation 3677893 (VCV003677893.2).
Genomic context (GRCh38, chr3:52,403,222, plus strand): 5'-CAAGGGCTCGCCAGGCCTCACCATCCCCGTCTTCTCTCTGCTGTCCGTGGCTTCCACGAC[CT>GA]CCTTCTCCACTGGGCTGCTGGACCCCTGGCTGCCTTGGATTGGTCTGATGGAGGGCGAGG-3'
Protein context (NP_004647.1, residues 592-612): SQGSSSPVEK[Glu602Val]VVEATDSREK